The following is an entry in ClinVar:

ClinVar aggregate classification (germline): Likely pathogenic (1 of 4 stars; one submission).

Conditions:
Intellectual developmental disorder, autosomal recessive 58. Also called: Intellectual disability, autosomal recessive 58. Identifiers: MedGen C4310641, MONDO:0014996, OMIM 617270.

gnomAD v4.1: 11 of 1,613,768 alleles (0.00068%); highest among the groups gnomAD compares: African/African-American, 0.004%; no homozygotes.

Submission:

Dasa
Classification: Likely pathogenic for Intellectual developmental disorder, autosomal recessive 58. Last evaluated: 2025-03-17. Review status: criteria provided, single submitter. Criteria: DASA Assertion Criteria. Collection method: clinical testing. Allele origin: germline.
Comment: NM_018255.4(ELP2):c.997C>T (p.Arg333*) is a nonsense variant in ELP2 predicted to introduce a premature termination codon and is predicted to result in an absent or altered protein product. Loss of function is an established disease mechanism for ELP2-associated disorders. Also, this variant is rare in population databases. Based on the currently available evidence, this variant is classified as likely pathogenic.

NM_018255.4(ELP2):c.997C>T (p.Arg333Ter)

Gene: ELP2 (elongator acetyltransferase complex subunit 2; plus strand). Cytogenetic location: 18q12.2.
Variant type: single nucleotide variant.
Coding change: c.997C>T on transcript NM_018255.4 (MANE Select); coding-DNA position 997, C replaced by T.
Protein change: p.Arg333Ter; replaces arginine 333 with a stop codon.
Molecular consequence: nonsense. On other transcripts: non-coding transcript variant (4), intron variant (3).
Genome position (GRCh38, 1-based): chr18:36,146,253, C>T. VCF-style: chr18-36146253-C-T. GRCh37 (hg19) VCF-style: chr18-33726216-C-T.
Other names: c.1192C>T, p.Arg398Ter (NM_001242875.3); c.919C>T, p.Arg307Ter (NM_001242877.3); c.787C>T, p.Arg263Ter (NM_001242879.3); c.1114C>T, p.Arg372Ter (NM_001324466.2); c.997C>T, p.Arg333Ter (NM_001324467.2); c.550C>T, p.Arg184Ter (NM_001324468.2); c.993+205C>T (NM_001324465.2); c.1110+205C>T (NM_001242876.3); and 1 more; short protein forms R184*, R263*, R307*, R333*, R372*, R398*.
Identifiers: ClinVar variation 4884198 (VCV004884198.2).
Genomic context (GRCh38, chr18:36,146,253, plus strand): 5'-TGTTGTGAGAAACATAGACTATTGATTAAGAATTGTTTTCTGTCTGTTATTGTACAGGTT[C>T]GAGTAGGTGAAGTAGGTGGGAATACTTTGGGATTTTATGATTGCCAGTTCAATGAAGATG-3'